The following is an entry in ClinVar:

NM_001330723.2(SNX27):c.1431G>A (p.Trp477Ter)

Gene: SNX27 (sorting nexin 27; plus strand). Cytogenetic location: 1q21.3.
Variant type: single nucleotide variant.
Coding change: c.1431G>A on transcript NM_001330723.2 (MANE Select); coding-DNA position 1431, G replaced by A.
Protein change: p.Trp477Ter; replaces tryptophan 477 with a stop codon.
Molecular consequence: nonsense.
Genome position (GRCh38, 1-based): chr1:151,692,952, G>A. VCF-style: chr1-151692952-G-A. GRCh37 (hg19) VCF-style: chr1-151665428-G-A.
Other names: c.1431G>A, p.Trp477Ter (NM_030918.6); short protein forms W477*.
Identifiers: ClinVar variation 1458723 (VCV001458723.6), dbSNP rs574654968, ClinGen allele CA341972964.
Genomic context (GRCh38, chr1:151,692,952, plus strand): 5'-CCTTGTCTTGGTTGTCCAGAACCAGGTAATTGCATTTGAATGGGATGAGATGCAGCGATG[G>A]GACACAGATGAAGAAGGGATGGCCTTCTGTTTCGAATATGCACGAGGAGAGAAGAAGCCC-3'

ClinVar aggregate classification (germline): Pathogenic (1 of 4 stars; one submission).

Conditions:
Severe myoclonic epilepsy in infancy (DRVT). Also called: Dravet syndrome; SEVERE MYOCLONIC EPILEPSY OF INFANCY; DEVELOPMENTAL AND EPILEPTIC ENCEPHALOPATHY 6A; Severe Myoclonic Epilepsy in Infancy (SMEI); Epileptic encephalopathy, early infantile, 6 (Dravet syndrome). Identifiers: Orphanet 33069, MedGen C0751122, MONDO:0100135, OMIM 607208.

Submission:

Labcorp Genetics (formerly Invitae), Labcorp
Classification: Pathogenic for Severe myoclonic epilepsy in infancy. Last evaluated: 2021-11-17. Review status: criteria provided, single submitter. Criteria: Invitae Variant Classification Sherloc (09022015). Collection method: clinical testing. Allele origin: germline.
Comment: For these reasons, this variant has been classified as Pathogenic. This variant has not been reported in the literature in individuals affected with SNX27-related conditions. This variant is not present in population databases (gnomAD no frequency). This sequence change creates a premature translational stop signal (p.Trp477*) in the SNX27 gene. It is expected to result in an absent or disrupted protein product. Loss-of-function variants in SNX27 are known to be pathogenic (PMID: 25894286).

Literature cited by the submitters: PubMed 25894286.